The following is an entry in ClinVar:

ClinVar aggregate classification (germline): Uncertain significance. Review status: criteria provided, multiple submitters, no conflicts (2 of 4 stars). 2 submissions from 2 submitters: Uncertain significance (2). Last evaluated 2025-07-21.

Conditions:
Hereditary cancer-predisposing syndrome. Also called: Neoplastic Syndromes, Hereditary; Tumor predisposition; Hereditary Cancer Syndrome; Hereditary neoplastic syndrome. Identifiers: Orphanet 140162, MedGen C0027672, MeSH D009386, MONDO:0015356.

Allele frequency attached by ClinVar (database versions not stated): TOPMed below 0.00001; ExAC 0.00001; gnomAD 0.00001; gnomAD exomes 0.00001.

Submissions (2):

Ambry Genetics
Classification: Uncertain significance for Hereditary cancer-predisposing syndrome. Last evaluated: 2025-07-21. Review status: criteria provided, single submitter. Criteria: Ambry Variant Classification Scheme 2023. Collection method: clinical testing. Allele origin: germline.
Comment: The p.R884C variant (also known as c.2650C>T), located in coding exon 16 of the RAD50 gene, results from a C to T substitution at nucleotide position 2650. The arginine at codon 884 is replaced by cysteine, an amino acid with highly dissimilar properties. This amino acid position is well conserved in available vertebrate species. In addition, this alteration is predicted to be tolerated by in silico analysis. Since supporting evidence is limited at this time, the clinical significance of this alteration remains unclear.

Labcorp Genetics (formerly Invitae), Labcorp
Classification: Uncertain significance for Hereditary cancer-predisposing syndrome. Last evaluated: 2025-07-14. Review status: criteria provided, single submitter. Criteria: Invitae Variant Classification Sherloc (09022015). Collection method: clinical testing. Allele origin: germline.
Comment: This sequence change replaces arginine, which is basic and polar, with cysteine, which is neutral and slightly polar, at codon 884 of the RAD50 protein (p.Arg884Cys). This variant is present in population databases (rs755939251, gnomAD 0.004%). This variant has not been reported in the literature in individuals affected with RAD50-related conditions. ClinVar contains an entry for this variant (Variation ID: 232844). Invitae Evidence Modeling of protein sequence and biophysical properties (such as structural, functional, and spatial information, amino acid conservation, physicochemical variation, residue mobility, and thermodynamic stability) indicates that this missense variant is expected to disrupt RAD50 protein function with a positive predictive value of 80%. In summary, the available evidence is currently insufficient to determine the role of this variant in disease. Therefore, it has been classified as a Variant of Uncertain Significance.

NM_005732.4(RAD50):c.2650C>T (p.Arg884Cys)

Gene: RAD50 (RAD50 double strand break repair protein; plus strand). Cytogenetic location: 5q31.1.
Variant type: single nucleotide variant.
Coding change: c.2650C>T on transcript NM_005732.4 (MANE Select); coding-DNA position 2650, C replaced by T.
Protein change: p.Arg884Cys; replaces arginine 884 with cysteine.
Molecular consequence: missense variant.
Genome position (GRCh38, 1-based): chr5:132,604,931, C>T. VCF-style: chr5-132604931-C-T. GRCh37 (hg19) VCF-style: chr5-131940623-C-T.
Other names: short protein forms R884C.
Identifiers: ClinVar variation 232844 (VCV000232844.16), dbSNP rs755939251, ClinGen allele CA3405437.